The following is an entry in ClinVar:

NM_013345.4(GPR132):c.586A>T (p.Ile196Phe)

Gene: GPR132 (G protein-coupled receptor 132; minus strand). Cytogenetic location: 14q32.33.
Variant type: single nucleotide variant.
Coding change: c.586A>T on transcript NM_013345.4 (MANE Select); coding-DNA position 586, A replaced by T.
Protein change: p.Ile196Phe; replaces isoleucine 196 with phenylalanine.
Molecular consequence: missense variant.
Genome position (GRCh38, 1-based): chr14:105,051,551, T>A on the plus strand (A>T on the coding strand, the complement: GPR132 is on the minus strand). VCF-style: chr14-105051551-T-A. GRCh37 (hg19) VCF-style: chr14-105517888-T-A.
Other names: c.586A>T, p.Ile196Phe (NM_001278694.2); c.559A>T, p.Ile187Phe (NM_001278695.2); c.22A>T, p.Ile8Phe (NM_001278696.2); short protein forms I187F, I196F, I8F.
Identifiers: ClinVar variation 3235801 (VCV003235801.1), dbSNP rs2542759647, ClinGen allele CA391237111.

ClinVar aggregate classification (germline): Uncertain significance (1 of 4 stars; one submission).

Submission:

Greenwood Genetic Center Diagnostic Laboratories, Greenwood Genetic Center
Classification: Uncertain significance. Last evaluated: 2024-03-19. Review status: criteria provided, single submitter. Criteria: ACMG Guidelines, 2015. Collection method: clinical testing. Allele origin: germline. Affected: yes.
Comment: Gene of Uncertain Significance